The following is an entry in ClinVar:

ClinVar aggregate classification (germline): Uncertain significance (1 of 4 stars; one submission).

Conditions:
Brugada syndrome 8 (BRGDA8). Identifiers: Orphanet 130, MedGen C2751083, MONDO:0013148, OMIM 613123.

gnomAD v4.1: 5 of 1,606,354 alleles (0.00031%); highest among the groups gnomAD compares: Non-Finnish European, 0.00042%; no homozygotes.

Submission:

Labcorp Genetics (formerly Invitae), Labcorp
Classification: Uncertain significance for Brugada syndrome 8. Last evaluated: 2025-02-06. Review status: criteria provided, single submitter. Criteria: Invitae Variant Classification Sherloc (09022015). Collection method: clinical testing. Allele origin: germline.
Comment: This sequence change replaces glycine, which is neutral and non-polar, with arginine, which is basic and polar, at codon 1183 of the HCN4 protein (p.Gly1183Arg). The frequency data for this variant in the population databases is considered unreliable, as metrics indicate poor data quality at this position in the gnomAD database. This variant has not been reported in the literature in individuals affected with HCN4-related conditions. Invitae Evidence Modeling of protein sequence and biophysical properties (such as structural, functional, and spatial information, amino acid conservation, physicochemical variation, residue mobility, and thermodynamic stability) indicates that this missense variant is not expected to disrupt HCN4 protein function with a negative predictive value of 95%. In summary, the available evidence is currently insufficient to determine the role of this variant in disease. Therefore, it has been classified as a Variant of Uncertain Significance.

NM_005477.3(HCN4):c.3547G>A (p.Gly1183Arg)

Gene: HCN4 (hyperpolarization activated cyclic nucleotide gated potassium channel 4; minus strand). Cytogenetic location: 15q24.1.
Variant type: single nucleotide variant.
Coding change: c.3547G>A on transcript NM_005477.3 (MANE Select); coding-DNA position 3547, G replaced by A.
Protein change: p.Gly1183Arg; replaces glycine 1183 with arginine.
Molecular consequence: missense variant.
Genome position (GRCh38, 1-based): chr15:73,322,546, C>T on the plus strand (G>A on the coding strand, the complement: HCN4 is on the minus strand). VCF-style: chr15-73322546-C-T. GRCh37 (hg19) VCF-style: chr15-73614887-C-T.
Other names: short protein forms G1183R.
Identifiers: ClinVar variation 3706880 (VCV003706880.2).